The following is an entry in ClinVar:

NM_000492.4(CFTR):c.1186A>G (p.Asn396Asp)

Gene: CFTR (CF transmembrane conductance regulator; plus strand). Cytogenetic location: 7q31.2.
Variant type: single nucleotide variant.
Coding change: c.1186A>G on transcript NM_000492.4 (MANE Select); coding-DNA position 1186, A replaced by G.
Protein change: p.Asn396Asp; replaces asparagine 396 with aspartic acid.
Molecular consequence: missense variant.
Genome position (GRCh38, 1-based): chr7:117,542,085, A>G. VCF-style: chr7-117542085-A-G. GRCh37 (hg19) VCF-style: chr7-117182139-A-G.
Other names: short protein forms N396D.
Identifiers: ClinVar variation 1679959 (VCV001679959.4), dbSNP rs753143757, ClinGen allele CA368980182.

ClinVar aggregate classification (germline): Uncertain significance. Review status: criteria provided, multiple submitters, no conflicts (2 of 4 stars). 3 submissions from 2 submitters: Uncertain significance (2). 1 of the submissions does not count toward it. Last evaluated 2025-05-17.

Conditions:
CFTR-related disorder (CFTR-RD). Also called: CFTR-related condition; CFTR-related disorders. Identifiers: MedGen C5924204, MONDO:7770004.
Cystic fibrosis (CF). Also called: MUCOVISCIDOSIS. Identifiers: Orphanet 586, MedGen C0010674, MONDO:0009061, OMIM 219700. Disease mechanism: loss of function.

gnomAD v4.1: 1 of 1,596,554 alleles (0.000063%); highest among the groups gnomAD compares: Non-Finnish European, 0.000086%; no homozygotes.

Submissions (3):

Ambry Genetics
Classification: Uncertain significance for Cystic fibrosis. Last evaluated: 2025-05-17. Review status: criteria provided, single submitter. Criteria: Ambry Variant Classification Scheme 2023. Collection method: clinical testing. Allele origin: germline.
Comment: The p.N396D variant (also known as c.1186A>G), located in coding exon 9 of the CFTR gene, results from an A to G substitution at nucleotide position 1186. The asparagine at codon 396 is replaced by aspartic acid, an amino acid with highly similar properties. This amino acid position is well conserved in available vertebrate species. In addition, the in silico prediction for this alteration is inconclusive. Based on the available evidence, the clinical significance of this variant remains unclear.

Genome Diagnostics Laboratory, The Hospital for Sick Children
Classification: Uncertain significance for Cystic fibrosis. Last evaluated: 2019-07-03. Review status: criteria provided, single submitter. Criteria: ACMG Guidelines, 2015. Collection method: clinical testing. Allele origin: germline.

Genome Diagnostics Laboratory, The Hospital for Sick Children
Classification: Uncertain significance for CFTR-related disorders. Last evaluated: 2019-07-03. Review status: no assertion criteria provided. Collection method: clinical testing. Allele origin: germline. Not counted in ClinVar's aggregate classification.